The following is an entry in ClinVar:

NM_021728.4(OTX2):c.488C>T (p.Ala163Val)

Gene: OTX2 (orthodenticle homeobox 2; minus strand). Cytogenetic location: 14q22.3.
Variant type: single nucleotide variant.
Coding change: c.488C>T on transcript NM_021728.4 (MANE Select); coding-DNA position 488, C replaced by T.
Protein change: p.Ala163Val; replaces alanine 163 with valine.
Molecular consequence: missense variant. On other transcripts: non-coding transcript variant (2).
Genome position (GRCh38, 1-based): chr14:56,802,141, G>A on the plus strand (C>T on the coding strand, the complement: OTX2 is on the minus strand). VCF-style: chr14-56802141-G-A. GRCh37 (hg19) VCF-style: chr14-57268859-G-A.
Other names: c.464C>T, p.Ala155Val (NM_001270523.2, NM_001270524.2, NM_172337.3); c.488C>T, p.Ala163Val (NM_001270525.2); short protein forms A163V, A155V.
Identifiers: ClinVar variation 1046355 (VCV001046355.9), dbSNP rs1891907901, ClinGen allele CA390051757.

ClinVar aggregate classification (germline): Uncertain significance (1 of 4 stars; one submission).

Conditions:
Anophthalmia-microphthalmia syndrome. Also called: Anophthalmia - microphthalmia; Anophthalmia/Microphthalmia. Identifiers: Orphanet 98555, MedGen C5680330, MONDO:0020147.

Allele frequency attached by ClinVar (database versions not stated): TOPMed below 0.00001; gnomAD 0.00001.
gnomAD v4.1: 1 of 1,614,054 alleles (0.000062%); highest among the groups gnomAD compares: Non-Finnish European, 0.000085%; no homozygotes.

Submission:

Labcorp Genetics (formerly Invitae), Labcorp
Classification: Uncertain significance for Anophthalmia-microphthalmia syndrome. Last evaluated: 2024-11-18. Review status: criteria provided, single submitter. Criteria: Invitae Variant Classification Sherloc (09022015). Collection method: clinical testing. Allele origin: germline.
Comment: This sequence change replaces alanine, which is neutral and non-polar, with valine, which is neutral and non-polar, at codon 155 of the OTX2 protein (p.Ala155Val). This variant is not present in population databases (gnomAD no frequency). This variant has not been reported in the literature in individuals affected with OTX2-related conditions. ClinVar contains an entry for this variant (Variation ID: 1046355). An algorithm developed to predict the effect of missense changes on protein structure and function (PolyPhen-2) suggests that this variant is likely to be disruptive. In summary, the available evidence is currently insufficient to determine the role of this variant in disease. Therefore, it has been classified as a Variant of Uncertain Significance.